The following is an entry in ClinVar:

NM_015978.3(TNNI3K):c.995A>C (p.Asn332Thr)

Genes: TNNI3K (TNNI3 interacting kinase; plus strand), FPGT-TNNI3K (FPGT-TNNI3K readthrough; plus strand). Cytogenetic location: 1p31.1.
Variant type: single nucleotide variant.
Coding change: c.995A>C on transcript NM_015978.3 (MANE Select); coding-DNA position 995, A replaced by C.
Protein change: p.Asn332Thr; replaces asparagine 332 with threonine.
Molecular consequence: missense variant.
Genome position (GRCh38, 1-based): chr1:74,353,328, A>C. VCF-style: chr1-74353328-A-C. GRCh37 (hg19) VCF-style: chr1-74819012-A-C.
Other names: c.1298A>C, p.Asn433Thr (NM_001112808.3, NM_001199327.2); short protein forms N332T, N433T.
Identifiers: ClinVar variation 2850075 (VCV002850075.3), dbSNP rs200084712, ClinGen allele CA340783759.

ClinVar aggregate classification (germline): Uncertain significance (1 of 4 stars; one submission).

Submission:

Labcorp Genetics (formerly Invitae), Labcorp
Classification: Uncertain significance. Last evaluated: 2026-01-05. Review status: criteria provided, single submitter. Criteria: Invitae Variant Classification Sherloc (09022015). Collection method: clinical testing. Allele origin: germline.
Comment: This sequence change replaces asparagine, which is neutral and polar, with threonine, which is neutral and polar, at codon 332 of the TNNI3K protein (p.Asn332Thr). This variant is not present in population databases (gnomAD no frequency). This variant has not been reported in the literature in individuals affected with TNNI3K-related conditions. ClinVar contains an entry for this variant (Variation ID: 2850075). Invitae Evidence Modeling of protein sequence and biophysical properties (such as structural, functional, and spatial information, amino acid conservation, physicochemical variation, residue mobility, and thermodynamic stability) indicates that this missense variant is not expected to disrupt TNNI3K protein function with a negative predictive value of 80%. In summary, the available evidence is currently insufficient to determine the role of this variant in disease. Therefore, it has been classified as a Variant of Uncertain Significance.